The following is an entry in ClinVar:

NM_001042492.3(NF1):c.7423_7457+114del

Gene: NF1 (neurofibromin 1; plus strand). Cytogenetic location: 17q11.2.
Variant type: Deletion.
Coding change: c.7423_7457+114del on transcript NM_001042492.3 (MANE Select); coding-DNA position 7423 through 114 bases into the intron after coding-DNA position 7457, 149 bases deleted.
Molecular consequence: splice donor variant.
Genome position (GRCh38, 1-based): chr17:31,350,284-31,350,432, 149 bases deleted. GRCh37 (hg19): chr17:29,677,302-29,677,450.
Other names: c.7360_7394+114del (NM_000267.4).
Identifiers: ClinVar variation 4532920 (VCV004532920.1).

ClinVar aggregate classification (germline): Likely pathogenic (1 of 4 stars; one submission).

Submission:

Quest Diagnostics Nichols Institute San Juan Capistrano
Classification: Likely pathogenic. Last evaluated: 2025-04-15. Review status: criteria provided, single submitter. Criteria: Quest Diagnostics criteria. Collection method: clinical testing. Allele origin: unknown.
Comment: The NF1 c.7360_7394+114del variant disrupts a canonical splice-donor site and is predicted to interfere with normal NF1 mRNA splicing. This variant has not been reported in individuals with NF1-related conditions in the published literature. This variant has not been reported in large, multi-ethnic general populations (Genome Aggregation Database). Based on the available information, this variant is classified as likely pathogenic.